The following is an entry in ClinVar:

ClinVar aggregate classification (germline): Conflicting classifications of pathogenicity. Review status: criteria provided, conflicting classifications (1 of 4 stars). 6 submissions from 6 submitters: Likely pathogenic (1); Uncertain significance (3); Benign (1). 1 of the submissions does not count toward it. Last evaluated 2025-09-20.

Conditions:
Frontometaphyseal dysplasia (FMD1). Identifiers: Orphanet 1826, MedGen C0265293, MONDO:0015942.
Oto-palato-digital syndrome, type II (OPD2). Also called: FACIOPALATOOSSEOUS SYNDROME; Otopalatodigital Syndrome, Type II; OPD II SYNDROME; Otopalatodigital Syndrome Type 2 (FLNA-OPD2). Identifiers: Orphanet 669, Orphanet 90652, MedGen C1844696, MONDO:0010571, OMIM 304120.
Melnick-Needles syndrome (MNS). Also called: MELNICK-NEEDLES OSTEODYSPLASTY; OSTEODYSPLASTY OF MELNICK AND NEEDLES; Melnick-Needles Syndrome (FLNA-MNS). Identifiers: Orphanet 2484, MedGen C0025237, MONDO:0010650, OMIM 309350.
Heterotopia, periventricular, X-linked dominant (PVNH1). Also called: X-linked periventricular heterotopia; PERIVENTRICULAR NODULAR HETEROTOPIA 4; HETEROTOPIA, PERIVENTRICULAR, 1; PERIVENTRICULAR NODULAR HETEROTOPIA 1. Identifiers: Orphanet 2149, Orphanet 82004, MedGen C1848213, MONDO:0010233, OMIM 300049.
Neurodevelopmental delay. Identifiers: MedGen C4022738, HP:0012758.

Allele frequency attached by ClinVar (database versions not stated): ExAC 0.00001; gnomAD exomes 0.00001; gnomAD 0.00002; TOPMed 0.00002; 1000 Genomes Project 30x 0.00021; 1000 Genomes Project 0.00026.
gnomAD v4.1: 9 of 1,209,164 alleles (0.00074%); highest among the groups gnomAD compares: East Asian, 0.0059%; no homozygotes.

Submissions (6):

Labcorp Genetics (formerly Invitae), Labcorp
Classification: Benign for Oto-palato-digital syndrome, type II; Heterotopia, periventricular, X-linked dominant; Frontometaphyseal dysplasia; Melnick-Needles syndrome. Last evaluated: 2025-09-20. Review status: criteria provided, single submitter. Criteria: Invitae Variant Classification Sherloc (09022015). Collection method: clinical testing. Allele origin: germline.

ARUP Laboratories, Molecular Genetics and Genomics, ARUP Laboratories
Classification: Uncertain significance. Last evaluated: 2025-02-12. Review status: criteria provided, single submitter. Criteria: ARUP Molecular Germline Variant Investigation Process 2024. Collection method: clinical testing. Allele origin: germline.
Comment: The FLNA c.1966C>T; This variant is found in the general population with a low overall allele frequency of 0.001% (2/180,993 alleles, including one hemizygote) in the Genome Aggregation Database (v2.1.1). Computational analyses are uncertain whether this variant is neutral or deleterious (REVEL: 0.636). Due to limited information, the clinical significance of this variant is uncertain at this time. References: Sheen VL et al. Mutations in the X-linked filamin 1 gene cause periventricular nodular heterotopia in males as well as in females. Hum Mol Genet. 2001 Aug 15;10(17):1775-83. PMID: 11532987.

Blueprint Genetics
Classification: Uncertain significance. Last evaluated: 2023-04-18. Review status: criteria provided, single submitter. Criteria: ACMG Guidelines, 2015. Collection method: clinical testing. Allele origin: germline.

GeneDx
Classification: Uncertain significance. Last evaluated: 2020-09-16. Review status: criteria provided, single submitter. Criteria: GeneDx Variant Classification Process June 2021. Collection method: clinical testing. Allele origin: germline. Affected: yes.
Comment: Not observed at a significant frequency in large population cohorts (Lek et al., 2016); In silico analysis supports that this missense variant does not alter protein structure/function; This variant is associated with the following publications: (PMID: 11532987, 22366253)

Centre de Biologie Pathologie Génétique, Centre Hospitalier Universitaire de Lille
Classification: Likely pathogenic for Neurodevelopmental delay. Review status: criteria provided, single submitter. Criteria: ACMG Guidelines, 2015. Collection method: clinical testing. Allele origin: inherited. Affected: yes.

OMIM
Classification: Pathogenic for HETEROTOPIA, PERIVENTRICULAR NODULAR, 1. Last evaluated: 2001-08-15. Review status: no assertion criteria provided. Collection method: literature only. Allele origin: germline. Not counted in ClinVar's aggregate classification.

Literature cited by the submitters: PubMed 11532987 (cited by OMIM).

NM_001110556.2(FLNA):c.1966C>T (p.Leu656Phe)

Gene: FLNA (filamin A; minus strand). Cytogenetic location: Xq28.
Variant type: single nucleotide variant.
Coding change: c.1966C>T on transcript NM_001110556.2 (MANE Select); coding-DNA position 1966, C replaced by T.
Protein change: p.Leu656Phe; replaces leucine 656 with phenylalanine.
Molecular consequence: missense variant.
Genome position (GRCh38, 1-based): chrX:154,364,582, G>A on the plus strand (C>T on the coding strand, the complement: FLNA is on the minus strand). VCF-style: chrX-154364582-G-A. GRCh37 (hg19) VCF-style: chrX-153592950-G-A.
Other names: c.1966C>T, p.Leu656Phe (NM_001456.4); short protein forms L656F.
Identifiers: ClinVar variation 11752 (VCV000011752.11), dbSNP rs137853311, ClinGen allele CA256053.